The following is an entry in ClinVar:

ClinVar aggregate classification (germline): Conflicting classifications of pathogenicity. Review status: criteria provided, conflicting classifications (1 of 4 stars). 2 submissions from 2 submitters: Pathogenic (1); Uncertain significance (1). Last evaluated 2025-12-16.

Conditions:
UPF1-related disorder. Also called: UPF1-related condition.

Submissions (2):

3billion
Classification: Uncertain significance for UPF1-related disorder. Last evaluated: 2025-12-16. Review status: criteria provided, single submitter. Criteria: ACMG Guidelines, 2015. Collection method: clinical testing. Allele origin: germline. Affected: yes.
Comment: The variant is not observed in the gnomAD v4.1.0 dataset. Predicted Consequence/Location: Missense variant. Missense changes are a common disease-causing mechanism. In silico tool predictions suggest damaging effect of the variant on gene or gene product [REVEL: 0.80 (>=0.6, sensitivity 0.68 and specificity 0.92); 3Cnet: 0.85 (> 0.75, sensitivity 0.96 and precision 0.92)]. The same nucleotide change resulting in the same amino acid change has been previously reported to be associated with UPF1-related disorder (ClinVar ID: VCV003381429). However, the evidence of pathogenicity is insufficient at this time. Therefore, this variant is classified as VUS according to the recommendation of ACMG/AMP guideline.

GeneDx
Classification: Pathogenic. Last evaluated: 2024-12-02. Review status: criteria provided, single submitter. Criteria: GeneDx Variant Classification Process June 2021. Collection method: clinical testing. Allele origin: germline.
Comment: Not observed at significant frequency in large population cohorts (gnomAD); In silico analysis supports that this missense variant has a deleterious effect on protein structure/function; Has not been previously published as pathogenic or benign to our knowledge

NM_002911.4(UPF1):c.1565C>T (p.Pro522Leu)

Gene: UPF1 (UPF1 RNA helicase and ATPase; plus strand). Cytogenetic location: 19p13.11.
Variant type: single nucleotide variant.
Coding change: c.1565C>T on transcript NM_002911.4 (MANE Select); coding-DNA position 1565, C replaced by T.
Protein change: p.Pro522Leu; replaces proline 522 with leucine.
Molecular consequence: missense variant.
Genome position (GRCh38, 1-based): chr19:18,855,945, C>T. VCF-style: chr19-18855945-C-T. GRCh37 (hg19) VCF-style: chr19-18966754-C-T.
Other names: c.1598C>T, p.Pro533Leu (NM_001297549.2); short protein forms P522L, P533L.
Identifiers: ClinVar variation 3381429 (VCV003381429.3).
Genomic context (GRCh38, chr19:18,855,945, plus strand): 5'-TCCTCTGGGTAAGCACTGAGCTGCCCCAATGGTGTTGCAGGCCGGTGCTGGTGTGTGCTC[C>T]GAGCAACATCGCCGTGGACCAGCTAACGGAGAAGATCCACCAGACGGGGCTAAAGGTCGT-3'
Protein context (NP_002902.2, residues 512-532): QGNGPVLVCA[Pro522Leu]SNIAVDQLTE